The following is an entry in ClinVar:

NM_024675.4(PALB2):c.932_933insC (p.Lys311fs)

Gene: PALB2 (partner and localizer of BRCA2; minus strand). Cytogenetic location: 16p12.2.
Variant type: Insertion.
Coding change: c.932_933insC on transcript NM_024675.4 (MANE Select); coding-DNA positions 932 to 933, C inserted.
Protein change: p.Lys311fs; shifts the reading frame from lysine 311.
Molecular consequence: frameshift variant.
Genome position: GRCh38 VCF-style: chr16-23635613-T-TG. GRCh37 (hg19) VCF-style: chr16-23646934-T-TG.
Other names: short protein forms K311fs.
Identifiers: ClinVar variation 410166 (VCV000410166.26), dbSNP rs1060502772, ClinGen allele CA16614904.
Genomic context (GRCh38, chr16:23,635,613, plus strand): 5'-TTCATTTAGAGAACATGAAATATTTGCCTCTAAATTAGAACTTGTGGGCAGTTGGCCACT[T>TG]TTACTTATAGCTTTATTTACAAGGAGGTTATCTGTAGAGACAGTCATTTTTTTGCCTTGT-3'

ClinVar aggregate classification (germline): Pathogenic. Review status: criteria provided, multiple submitters, no conflicts (2 of 4 stars). 7 submissions from 7 submitters: Pathogenic (5). 2 of the submissions do not count toward it. Last evaluated 2025-12-08.

Conditions:
Familial cancer of breast. Also called: Hereditary breast cancer; hereditary breast carcinoma; BREAST CANCER, FAMILIAL. Identifiers: Orphanet 227535, MedGen C0346153, MONDO:0016419, OMIM 114480. Disease mechanism: loss of function.
Hereditary cancer-predisposing syndrome. Also called: Hereditary neoplastic syndrome; Neoplastic Syndromes, Hereditary; Tumor predisposition; Hereditary Cancer Syndrome. Identifiers: Orphanet 140162, MedGen C0027672, MeSH D009386, MONDO:0015356.
Breast carcinoma. Also called: Carcinoma of breast. Identifiers: MedGen C0678222, MONDO:0004989, HP:0003002.

Submissions (7):

Labcorp Genetics (formerly Invitae), Labcorp
Classification: Pathogenic for Familial cancer of breast. Last evaluated: 2025-12-08. Review status: criteria provided, single submitter. Criteria: Invitae Variant Classification Sherloc (09022015). Collection method: clinical testing. Allele origin: germline.
Comment: This sequence change creates a premature translational stop signal (p.Lys311Asnfs*10) in the PALB2 gene. It is expected to result in an absent or disrupted protein product. Loss-of-function variants in PALB2 are known to be pathogenic (PMID: 17200668, 17200671, 17200672, 24136930, 25099575). This variant is not present in population databases (gnomAD no frequency). This variant has not been reported in the literature in individuals affected with PALB2-related conditions. ClinVar contains an entry for this variant (Variation ID: 410166). For these reasons, this variant has been classified as Pathogenic.

Ambry Genetics
Classification: Pathogenic for Hereditary cancer-predisposing syndrome. Last evaluated: 2024-05-17. Review status: criteria provided, single submitter. Criteria: Ambry Variant Classification Scheme 2023. Collection method: clinical testing. Allele origin: germline.
Comment: The c.932_933insC pathogenic mutation, located in coding exon 4 of the PALB2 gene, results from an insertion of one nucleotide at position 932, causing a translational frameshift with a predicted alternate stop codon (p.K311Nfs*10). This alteration is expected to result in loss of function by premature protein truncation or nonsense-mediated mRNA decay. As such, this alteration is interpreted as a disease-causing mutation.

Myriad Genetics, Inc.
Classification: Pathogenic for Familial cancer of breast. Last evaluated: 2023-09-07. Review status: criteria provided, single submitter. Criteria: Myriad Autosomal Dominant, Autosomal Recessive and X-Linked Classification Criteria (2023). Collection method: clinical testing. Allele origin: unknown.
Comment: This variant is considered pathogenic. This variant creates a frameshift predicted to result in premature protein truncation.

GeneDx
Classification: Pathogenic. Last evaluated: 2022-08-30. Review status: criteria provided, single submitter. Criteria: GeneDx Variant Classification Process June 2021. Collection method: clinical testing. Allele origin: germline. Affected: yes.
Comment: Frameshift variant predicted to result in protein truncation or nonsense mediated decay in a gene for which loss of function is a known mechanism of disease; Not observed at significant frequency in large population cohorts (gnomAD); This variant is associated with the following publications: (PMID: 24136930, 17200668, 33558524, 25099575, 32658311)

Color Diagnostics, LLC DBA Color Health
Classification: Pathogenic for Hereditary cancer-predisposing syndrome. Last evaluated: 2021-08-31. Review status: criteria provided, single submitter. Criteria: ACMG Guidelines, 2015. Collection method: clinical testing. Allele origin: germline.
Comment: This variant inserts 1 nucleotide in exon 4 of the PALB2 gene, creating a frameshift and premature translation stop signal. This variant is expected to result in an absent or non-functional protein product. To our knowledge, this variant has not been reported in individuals affected with hereditary cancer in the literature. This variant has not been identified in the general population by the Genome Aggregation Database (gnomAD). Loss of PALB2 function is a known mechanism of disease. Based on the available evidence, this variant is classified as Pathogenic.

Medical Genetics Laboratory, Umraniye Training and Research Hospital, University of Health Sciences
Classification: Likely pathogenic for Breast carcinoma. Last evaluated: 2021-08-09. Review status: no assertion criteria provided. Collection method: clinical testing. Allele origin: germline. Inheritance: Autosomal dominant inheritance. Affected: yes. Observed: 1 variant allele, 1 heterozygote. Not counted in ClinVar's aggregate classification.

Center of Medical Genetics and Primary Health Care
Classification: Pathogenic for Hereditary cancer predisposing syndrome. Last evaluated: 2020-04-08. Review status: no assertion criteria provided. Collection method: research. Allele origin: germline. Affected: yes. Observed: 1 heterozygote. Not counted in ClinVar's aggregate classification.
Comment: The PALB2 variant p.Lys311Asnfs is a frameshift variant located in exon 4 and the BRCA1 interaction functional domain. It is expected to result in an absent or disrupted protein product and loss-of-function variants in PALB2 are known to be pathogenic (PMID: 17200668, 24136930, 25099575) (PVS1 Pathogenic Very Strong). It is in a mutation hotspot in a vicinity of 8 pathogenic variants (PM1 Pathogenic Moderate). This variant is not found in GnomAD exomes neither in GnomAD genomes (PM2 Pathogenic Moderate). This variant is reported in ClinVar as a pathogenic variant. Therefore, based on the evidence, we classified this variant as a Pathogenic.

Literature cited by the submitters: PubMed 17200668 (cited by Labcorp Genetics (formerly Invitae), Labcorp); PubMed 17200671 (cited by Labcorp Genetics (formerly Invitae), Labcorp); PubMed 17200672 (cited by Labcorp Genetics (formerly Invitae), Labcorp); PubMed 24136930 (cited by Labcorp Genetics (formerly Invitae), Labcorp); PubMed 25099575 (cited by Labcorp Genetics (formerly Invitae), Labcorp).